The following is an entry in ClinVar:

ClinVar aggregate classification (germline): Uncertain significance. Review status: criteria provided, multiple submitters, no conflicts (2 of 4 stars). 2 submissions from 2 submitters: Uncertain significance (2). Last evaluated 2023-01-06.

Conditions:
Inborn genetic diseases. Identifiers: MedGen C0950123, MeSH D030342.
Congenital myasthenic syndrome 10. Also called: Myasthenia, limb-girdle, familial. Identifiers: Orphanet 590, MedGen C1850792, MONDO:0009690, OMIM 254300.
Fetal akinesia deformation sequence 1 (FADS1). Also called: Pena-Shokeir syndrome type I; Fetal akinesia sequence. Identifiers: Orphanet 994, MedGen C1276035, MONDO:0100101, OMIM 208150, HP:0001989.

Allele frequency attached by ClinVar (database versions not stated): gnomAD exomes below 0.00001 and 0.00001; ExAC 0.00001; gnomAD 0.00003 and 0.00004; TOPMed 0.00003; ESP Exome Variant Server 0.00008.
gnomAD v4.1: 10 of 1,608,036 alleles (0.00062%); highest among the groups gnomAD compares: African/African-American, 0.012%; no homozygotes.

Submissions (2):

Ambry Genetics
Classification: Uncertain significance for Inborn genetic diseases. Last evaluated: 2023-01-06. Review status: criteria provided, single submitter. Criteria: Ambry Variant Classification Scheme 2023. Collection method: clinical testing. Allele origin: germline.

Labcorp Genetics (formerly Invitae), Labcorp
Classification: Uncertain significance for Congenital myasthenic syndrome 10; Fetal akinesia deformation sequence 1. Last evaluated: 2021-08-20. Review status: criteria provided, single submitter. Criteria: Invitae Variant Classification Sherloc (09022015). Collection method: clinical testing. Allele origin: germline.
Comment: This sequence change replaces threonine with alanine at codon 294 of the DOK7 protein (p.Thr294Ala). The threonine residue is highly conserved and there is a small physicochemical difference between threonine and alanine. This variant is present in population databases (rs143821601, ExAC 0.01%). This variant has not been reported in the literature in individuals affected with DOK7-related conditions. Algorithms developed to predict the effect of missense changes on protein structure and function output the following: SIFT: "Deleterious"; PolyPhen-2: "Benign"; Align-GVGD: "Class C0". The alanine amino acid residue is found in multiple mammalian species, which suggests that this missense change does not adversely affect protein function. In summary, the available evidence is currently insufficient to determine the role of this variant in disease. Therefore, it has been classified as a Variant of Uncertain Significance.

NM_173660.5(DOK7):c.880A>G (p.Thr294Ala)

Gene: DOK7 (docking protein 7; plus strand). Cytogenetic location: 4p16.3.
Variant type: single nucleotide variant.
Coding change: c.880A>G on transcript NM_173660.5 (MANE Select); coding-DNA position 880, A replaced by G.
Protein change: p.Thr294Ala; replaces threonine 294 with alanine.
Molecular consequence: missense variant. On other transcripts: 3 prime UTR variant (1), 5 prime UTR variant (1).
Genome position (GRCh38, 1-based): chr4:3,492,866, A>G. VCF-style: chr4-3492866-A-G. GRCh37 (hg19) VCF-style: chr4-3494593-A-G.
Other names: c.*101A>G (NM_001164673.2); c.-51A>G (NM_001256896.2); c.880A>G, p.Thr294Ala (NM_001301071.2); c.448A>G, p.Thr150Ala (NM_001363811.2); c.880A>G (NM_173660.4); short protein forms T294A, T150A.
Identifiers: ClinVar variation 1354408 (VCV001354408.6), dbSNP rs143821601, ClinGen allele CA2829269.